The following is an entry in ClinVar:

ClinVar aggregate classification (germline): Likely pathogenic. Review status: criteria provided, multiple submitters, no conflicts (2 of 4 stars). 2 submissions from 2 submitters: Likely pathogenic (2). Last evaluated 2025-02-21.

Conditions:
Cardiovascular phenotype. Identifiers: MedGen CN230736.
Autosomal recessive limb-girdle muscular dystrophy type 2J (LGMDR10). Also called: MUSCULAR DYSTROPHY, LIMB-GIRDLE, AUTOSOMAL RECESSIVE 10; Limb-girdle muscular dystrophy, type 2J. Identifiers: Orphanet 140922, MedGen C1837342, MONDO:0012127, OMIM 608807.
Dilated cardiomyopathy 1G (CMD1G). Identifiers: Orphanet 154, MedGen C1858763, MONDO:0011400, OMIM 604145.

Submissions (2):

Ambry Genetics
Classification: Likely pathogenic for Cardiovascular phenotype. Last evaluated: 2025-02-21. Review status: criteria provided, single submitter. Criteria: Ambry Variant Classification Scheme 2023. Collection method: clinical testing. Allele origin: germline.
Comment: The p.E4214* variant (also known as c.12640G>T), located in coding exon 44 of the TTN gene, results from a G to T substitution at nucleotide position 12640. This changes the amino acid from a glutamic acid to a stop codon within coding exon 44. This exon is located in the I-band region of the N2-B isoform of the titin protein and is constitutively expressed in TTN transcripts (percent spliced in or PSI 100%). This variant is considered to be rare based on population cohorts in the Genome Aggregation Database (gnomAD). This variant is expected to result in loss of function by premature protein truncation or nonsense-mediated mRNA decay. While truncating variants in TTN are present in 1-3% of the general population, truncating variants in the A-band are the most common cause of dilated cardiomyopathy (Herman DS et al. N. Engl. J. Med., 2012 Feb;366:619-28; Roberts AM et al. Sci Transl Med, 2015 Jan;7:270ra6). TTN truncating variants encoded in constitutive exons (PSI >90%) have been found to be significantly associated with DCM regardless of their position in titin (Schafer S et al. Nat. Genet., 2017 01;49:46-53; Akhtar MM et al. Circ Heart Fail, 2020 Oct;13:e006832; Massier M et al. Clin Genet, 2025 Jan). Based on the majority of available evidence to date, this variant is likely to be pathogenic.

Labcorp Genetics (formerly Invitae), Labcorp
Classification: Likely pathogenic for Dilated cardiomyopathy 1G; Autosomal recessive limb-girdle muscular dystrophy type 2J. Last evaluated: 2024-10-18. Review status: criteria provided, single submitter. Criteria: Invitae Variant Classification Sherloc (09022015). Collection method: clinical testing. Allele origin: germline.
Comment: This sequence change creates a premature translational stop signal (p.Glu4577*) in the TTN gene. While this is not anticipated to result in nonsense mediated decay, it is expected to create a truncated TTN protein. This variant is not present in population databases (gnomAD no frequency). This variant has not been reported in the literature in individuals affected with TTN-related conditions. ClinVar contains an entry for this variant (Variation ID: 1763714). This variant is located in the I band of TTN (PMID: 25589632). Truncating variants in this region have been reported in individuals affected with autosomal recessive centronuclear myopathy (PMID: 23975875, internal data). Truncating variants in this region have also been identified in individuals affected with autosomal dominant dilated cardiomyopathy and/or cardio-related conditions (PMID: 27869827, 32964742, internal data). In summary, the currently available evidence indicates that the variant is pathogenic, but additional data are needed to prove that conclusively. Therefore, this variant has been classified as Likely Pathogenic.

Literature cited by the submitters: PubMed 25589632 (cited by Labcorp Genetics (formerly Invitae), Labcorp); PubMed 23975875 (cited by Labcorp Genetics (formerly Invitae), Labcorp); PubMed 27869827 (cited by Labcorp Genetics (formerly Invitae), Labcorp); PubMed 32964742 (cited by Labcorp Genetics (formerly Invitae), Labcorp).

NM_001267550.2(TTN):c.13729G>T (p.Glu4577Ter)

Gene: TTN (titin; minus strand). Cytogenetic location: 2q31.2.
Variant type: single nucleotide variant.
Coding change: c.13729G>T on transcript NM_001267550.2 (MANE Select); coding-DNA position 13729, G replaced by T.
Protein change: p.Glu4577Ter; replaces glutamic acid 4577 with a stop codon.
Molecular consequence: nonsense. On other transcripts: intron variant (1).
Genome position (GRCh38, 1-based): chr2:178,739,504, C>A on the plus strand (G>T on the coding strand, the complement: TTN is on the minus strand). VCF-style: chr2-178739504-C-A. GRCh37 (hg19) VCF-style: chr2-179604231-C-A.
Other names: c.12778G>T, p.Glu4260Ter (NM_001256850.1); c.12640G>T, p.Glu4214Ter (NM_003319.4); c.13015G>T, p.Glu4339Ter (NM_133432.3); c.13216G>T, p.Glu4406Ter (NM_133437.4); c.10361-1144G>T (NM_133378.4); short protein forms E4260*, E4406*, E4577*, E4214*, E4339*.
Identifiers: ClinVar variation 1763714 (VCV001763714.8), dbSNP rs755338726, ClinGen allele CA349606714.